The following is an entry in ClinVar:

NM_001378609.3(OTOGL):c.6503G>A (p.Cys2168Tyr)

Gene: OTOGL (otogelin like; plus strand). Cytogenetic location: 12q21.31.
Variant type: single nucleotide variant.
Coding change: c.6503G>A on transcript NM_001378609.3 (MANE Select); coding-DNA position 6503, G replaced by A.
Protein change: p.Cys2168Tyr; replaces cysteine 2168 with tyrosine.
Molecular consequence: missense variant.
Genome position (GRCh38, 1-based): chr12:80,367,732, G>A. VCF-style: chr12-80367732-G-A. GRCh37 (hg19) VCF-style: chr12-80761512-G-A.
Other names: c.6368G>A, p.Cys2123Tyr (NM_001368062.3); c.6503G>A, p.Cys2168Tyr (NM_001378610.3, NM_173591.7); short protein forms C2123Y, C2168Y.
Identifiers: ClinVar variation 2663651 (VCV002663651.1), dbSNP rs772545127, ClinGen allele CA6702048.

ClinVar aggregate classification (germline): Uncertain significance (1 of 4 stars; one submission).

Allele frequency attached by ClinVar (database versions not stated): gnomAD exomes below 0.00001; gnomAD 0.00001.
gnomAD v4.1: 3 of 1,406,660 alleles (0.00021%); highest among the groups gnomAD compares: South Asian, 0.0033%; no homozygotes.

Submission:

GeneDx
Classification: Uncertain significance. Last evaluated: 2023-05-05. Review status: criteria provided, single submitter. Criteria: GeneDx Variant Classification Process June 2021. Collection method: clinical testing. Allele origin: germline. Affected: yes.
Comment: Not observed at significant frequency in large population cohorts (gnomAD); In silico analysis supports that this missense variant has a deleterious effect on protein structure/function; Has not been previously published as pathogenic or benign to our knowledge